The following is an entry in ClinVar:

ClinVar aggregate classification (germline): Uncertain significance (1 of 4 stars; one submission).

Submission:

Labcorp Genetics (formerly Invitae), Labcorp
Classification: Uncertain significance. Last evaluated: 2019-12-06. Review status: criteria provided, single submitter. Criteria: Invitae Variant Classification Sherloc (09022015). Collection method: clinical testing. Allele origin: germline.
Comment: In summary, the available evidence is currently insufficient to determine the role of this variant in disease. Therefore, it has been classified as a Variant of Uncertain Significance. Algorithms developed to predict the effect of sequence changes on RNA splicing suggest that this variant may create or strengthen a splice site, but this prediction has not been confirmed by published transcriptional studies. Algorithms developed to predict the effect of missense changes on protein structure and function output the following: SIFT: "Tolerated"; PolyPhen-2: "Benign"; Align-GVGD: "Class C0". The threonine amino acid residue is found in multiple mammalian species, suggesting that this missense change does not adversely affect protein function. These predictions have not been confirmed by published functional studies and their clinical significance is uncertain. This variant has not been reported in the literature in individuals with ADGRV1-related conditions. This variant is not present in population databases (ExAC no frequency). This sequence change replaces isoleucine with threonine at codon 1300 of the ADGRV1 protein (p.Ile1300Thr). The isoleucine residue is weakly conserved and there is a moderate physicochemical difference between isoleucine and threonine.

NM_032119.4(ADGRV1):c.3899T>C (p.Ile1300Thr)

Gene: ADGRV1 (adhesion G protein-coupled receptor V1; plus strand). Cytogenetic location: 5q14.3.
Variant type: single nucleotide variant.
Coding change: c.3899T>C on transcript NM_032119.4 (MANE Select); coding-DNA position 3899, T replaced by C.
Protein change: p.Ile1300Thr; replaces isoleucine 1300 with threonine.
Molecular consequence: missense variant. On other transcripts: non-coding transcript variant (1).
Genome position (GRCh38, 1-based): chr5:90,653,473, T>C. VCF-style: chr5-90653473-T-C. GRCh37 (hg19) VCF-style: chr5-89949290-T-C.
Other names: short protein forms I1300T.
Identifiers: ClinVar variation 846152 (VCV000846152.9), dbSNP rs1768940057, ClinGen allele CA360399703.